The following is an entry in ClinVar:

ClinVar aggregate classification (germline): Conflicting classifications of pathogenicity. Review status: criteria provided, conflicting classifications (1 of 4 stars). 4 submissions from 4 submitters: Uncertain significance (1); Likely benign (2). 1 of the submissions does not count toward it. Last evaluated 2026-01-12.

Conditions:
ABCA4-related disorder. Also called: ABCA4-related disorders; ABCA4-related condition. Identifiers: MedGen CN239167.

Allele frequency attached by ClinVar (database versions not stated): gnomAD exomes 0.00001 and 0.00005; ExAC 0.00004; gnomAD 0.00033 and 0.00034; 1000 Genomes Project 0.00060; 1000 Genomes Project 30x 0.00062; TOPMed 0.00088.
gnomAD v4.1: 84 of 1,613,976 alleles (0.0052%); highest among the groups gnomAD compares: Admixed American, 0.11%; 1 homozygote.

Submissions (4):

Labcorp Genetics (formerly Invitae), Labcorp
Classification: Likely benign. Last evaluated: 2026-01-12. Review status: criteria provided, single submitter. Criteria: Invitae Variant Classification Sherloc (09022015). Collection method: clinical testing. Allele origin: germline.

Blueprint Genetics
Classification: Likely benign. Last evaluated: 2022-10-31. Review status: criteria provided, single submitter. Criteria: ACMG Guidelines, 2015. Collection method: clinical testing. Allele origin: germline.

Eurofins Ntd Llc (ga)
Classification: Uncertain significance. Last evaluated: 2013-10-07. Review status: criteria provided, single submitter. Criteria: EGL Classification Definitions 2015. Collection method: clinical testing. Allele origin: germline. Observed: 1 variant allele, 1 heterozygote.

PreventionGenetics, part of Exact Sciences
Classification: Likely benign for ABCA4-related condition. Last evaluated: 2019-09-13. Review status: no assertion criteria provided. Collection method: clinical testing. Allele origin: germline. Not counted in ClinVar's aggregate classification.
Comment: This variant is classified as likely benign based on ACMG/AMP sequence variant interpretation guidelines (Richards et al. 2015 PMID: 25741868, with internal and published modifications).

NM_000350.3(ABCA4):c.4401C>T (p.Ser1467=)

Gene: ABCA4 (ATP binding cassette subfamily A member 4; minus strand). Cytogenetic location: 1p22.1.
Variant type: single nucleotide variant.
Coding change: c.4401C>T on transcript NM_000350.3 (MANE Select); coding-DNA position 4401, C replaced by T.
Protein change: p.Ser1467=; no amino-acid change (serine 1467 retained).
Molecular consequence: synonymous variant.
Genome position (GRCh38, 1-based): chr1:94,029,583, G>A on the plus strand (C>T on the coding strand, the complement: ABCA4 is on the minus strand). VCF-style: chr1-94029583-G-A. GRCh37 (hg19) VCF-style: chr1-94495139-G-A.
Other names: c.4179C>T, p.Ser1393= (NM_001425324.1).
Identifiers: ClinVar variation 92868 (VCV000092868.19), dbSNP rs188775667, ClinGen allele CA220684.